The following is an entry in ClinVar:

NM_025074.7(FRAS1):c.7832A>G (p.Tyr2611Cys)

Gene: FRAS1 (Fraser extracellular matrix complex subunit 1; plus strand). Cytogenetic location: 4q21.21.
Variant type: single nucleotide variant.
Coding change: c.7832A>G on transcript NM_025074.7 (MANE Select); coding-DNA position 7832, A replaced by G.
Protein change: p.Tyr2611Cys; replaces tyrosine 2611 with cysteine.
Molecular consequence: missense variant.
Genome position (GRCh38, 1-based): chr4:78,475,587, A>G. VCF-style: chr4-78475587-A-G. GRCh37 (hg19) VCF-style: chr4-79396741-A-G.
Other names: short protein forms Y2611C.
Identifiers: ClinVar variation 988193 (VCV000988193.1), dbSNP rs1480978100, ClinGen allele CA357371203.

ClinVar aggregate classification (germline): Uncertain significance (0 of 4 stars; one submission).

Conditions:
Congenital anomaly of kidney and urinary tract. Also called: Congenital anomalies of kidney and urinary tract; Congenital anomalies of the kidney and urinary tract. Identifiers: Orphanet 93545, MedGen C1968949, MeSH C566906, MONDO:0019719.

Submission:

Sydney Genome Diagnostics, Children's Hospital Westmead
Classification: Uncertain significance for Congenital anomaly of kidney and urinary tract. Last evaluated: 2018-10-24. Review status: no assertion criteria provided. Collection method: clinical testing. Allele origin: unknown. Affected: yes. Observed: 1 variant allele, 1 compound heterozygote.
Comment: This variant is located in the Na-Ca integrin-beta4 domain of FRAS1. To our knowledge, this variant has not been previously reported in the literature to be disease causing and there is no allele frequency data for this variant. In silico analysis (Alamut Visual v2.4) using PolyPhen2, SIFT, Align GVGD and MutationTaster all suggest that this variant is likely to be a pathogenic variant.